The following is an entry in ClinVar:

ClinVar aggregate classification (germline): Likely benign. Review status: criteria provided, single submitter (1 of 4 stars). 2 submissions from 2 submitters: Likely benign (1). 1 of the submissions does not count toward it. Last evaluated 2026-01-31.

Conditions:
JMJD1C-related disorder. Also called: JMJD1C-related condition.
Early Myoclonic Encephalopathy. Identifiers: MedGen C0270855.

Allele frequency attached by ClinVar (database versions not stated): ESP Exome Variant Server 0.00042; gnomAD 0.00075 and 0.00082; TOPMed 0.00089; ExAC 0.00020; gnomAD exomes 0.00021 and 0.00007; 1000 Genomes Project 30x 0.00031; 1000 Genomes Project 0.00040.
gnomAD v4.1: 221 of 1,612,082 alleles (0.014%); highest among the groups gnomAD compares: African/African-American, 0.24%; 1 homozygote.

Submissions (2):

Labcorp Genetics (formerly Invitae), Labcorp
Classification: Likely benign for Early Myoclonic Encephalopathy. Last evaluated: 2026-01-31. Review status: criteria provided, single submitter. Criteria: Invitae Variant Classification Sherloc (09022015). Collection method: clinical testing. Allele origin: germline.

PreventionGenetics, part of Exact Sciences
Classification: Likely benign for JMJD1C-related condition. Last evaluated: 2019-03-21. Review status: no assertion criteria provided. Collection method: clinical testing. Allele origin: germline. Not counted in ClinVar's aggregate classification.
Comment: This variant is classified as likely benign based on ACMG/AMP sequence variant interpretation guidelines (Richards et al. 2015 PMID: 25741868, with internal and published modifications).

NM_032776.3(JMJD1C):c.6702T>C (p.Asn2234=)

Gene: JMJD1C (jumonji domain containing 1C; minus strand). Cytogenetic location: 10q21.3.
Variant type: single nucleotide variant.
Coding change: c.6702T>C on transcript NM_032776.3 (MANE Select); coding-DNA position 6702, T replaced by C.
Protein change: p.Asn2234=; no amino-acid change (asparagine 2234 retained).
Molecular consequence: synonymous variant. On other transcripts: non-coding transcript variant (1).
Genome position (GRCh38, 1-based): chr10:63,186,252, A>G on the plus strand (T>C on the coding strand, the complement: JMJD1C is on the minus strand). VCF-style: chr10-63186252-A-G. GRCh37 (hg19) VCF-style: chr10-64946012-A-G.
Other names: c.6156T>C, p.Asn2052= (NM_001282948.2, NM_001318154.2); c.5838T>C, p.Asn1946= (NM_001318153.2); c.6588T>C, p.Asn2196= (NM_001322252.2); c.6045T>C, p.Asn2015= (NM_001322254.2, NM_001322258.2).
Identifiers: ClinVar variation 460271 (VCV000460271.14), dbSNP rs201800652, ClinGen allele CA5517815.